The following is an entry in ClinVar:

NM_000829.4(GRIA4):c.1926C>T (p.Leu642=)

Gene: GRIA4 (glutamate ionotropic receptor AMPA type subunit 4; plus strand). Cytogenetic location: 11q22.3.
Variant type: single nucleotide variant.
Coding change: c.1926C>T on transcript NM_000829.4 (MANE Select); coding-DNA position 1926, C replaced by T.
Protein change: p.Leu642=; no amino-acid change (leucine 642 retained).
Molecular consequence: synonymous variant. On other transcripts: non-coding transcript variant (1), intron variant (2).
Genome position (GRCh38, 1-based): chr11:105,926,819, C>T. VCF-style: chr11-105926819-C-T. GRCh37 (hg19) VCF-style: chr11-105797545-C-T.
Other names: c.1926C>T, p.Leu642= (NM_001077243.3, NM_001440382.1, NM_001440383.1 and 10 more transcripts); c.1905C>T, p.Leu635= (NM_001440388.1, NM_001440389.1, NM_001440390.1); c.1719C>T, p.Leu573= (NM_001440394.1); c.1455+7922C>T (NM_001440398.1); c.1158+21518C>T (NM_001440399.1).
Identifiers: ClinVar variation 4280758 (VCV004280758.8).

ClinVar aggregate classification (germline): Likely benign. Review status: criteria provided, multiple submitters, no conflicts (2 of 4 stars). 2 submissions from 2 submitters: Likely benign (2). Last evaluated 2025-09-01.

gnomAD v4.1: 274 of 1,610,318 alleles (0.017%); highest among the groups gnomAD compares: Non-Finnish European, 0.022%; no homozygotes.

Submissions (2):

CeGaT Center for Human Genetics Tuebingen
Classification: Likely benign. Last evaluated: 2025-09-01. Review status: criteria provided, single submitter. Criteria: CeGaT Center For Human Genetics Tuebingen Variant Classification Criteria Version 2. Collection method: clinical testing. Allele origin: germline. Affected: yes. Observed: 1 variant allele.
Comment: GRIA4: BP4, BP7

Blueprint Genetics
Classification: Likely benign. Last evaluated: 2021-11-04. Review status: criteria provided, single submitter. Criteria: ACMG Guidelines, 2015. Collection method: clinical testing. Allele origin: germline.